The following is an entry in ClinVar:

ClinVar aggregate classification (germline): Likely benign. Review status: criteria provided, multiple submitters, no conflicts (2 of 4 stars). 5 submissions from 5 submitters: Likely benign (4). 1 of the submissions does not count toward it. Last evaluated 2025-07-02.

Conditions:
TTC8-related disorder. Also called: TTC8-related condition.
Bardet-Biedl syndrome (BBS). Identifiers: Orphanet 110, MedGen C0752166, MONDO:0015229.
Retinal dystrophy. Also called: Inherited retinal dystrophy. Identifiers: Orphanet 71862, MedGen C0854723, MeSH D058499, MONDO:0019118, HP:0000556.
Retinitis pigmentosa 51 (RP51). Identifiers: Orphanet 791, MedGen C3150715, MONDO:0013274, OMIM 613464.
Bardet-Biedl syndrome 8 (BBS8). Identifiers: Orphanet 110, MedGen C1859566, MONDO:0014436, OMIM 615985.

Allele frequency attached by ClinVar (database versions not stated): ExAC 0.00004.

Submissions (5):

Labcorp Genetics (formerly Invitae), Labcorp
Classification: Likely benign for Bardet-Biedl syndrome. Last evaluated: 2025-07-02. Review status: criteria provided, single submitter. Criteria: Invitae Variant Classification Sherloc (09022015). Collection method: clinical testing. Allele origin: germline.

Blueprint Genetics
Classification: Likely benign. Last evaluated: 2024-06-14. Review status: criteria provided, single submitter. Criteria: ACMG Guidelines, 2015. Collection method: clinical testing. Allele origin: germline.

Dept Of Ophthalmology, Nagoya University
Classification: Likely benign for Retinal dystrophy. Last evaluated: 2023-10-01. Review status: criteria provided, single submitter. Criteria: Submitter's publication. Collection method: research. Allele origin: germline. Affected: yes.

Fulgent Genetics
Classification: Likely benign for Retinitis pigmentosa 51; Bardet-Biedl syndrome 8. Last evaluated: 2021-12-21. Review status: criteria provided, single submitter. Criteria: ACMG Guidelines, 2015. Collection method: clinical testing. Allele origin: unknown.

PreventionGenetics, part of Exact Sciences
Classification: Likely benign for TTC8-related condition. Last evaluated: 2020-02-05. Review status: no assertion criteria provided. Collection method: clinical testing. Allele origin: germline. Not counted in ClinVar's aggregate classification.
Comment: This variant is classified as likely benign based on ACMG/AMP sequence variant interpretation guidelines (Richards et al. 2015 PMID: 25741868, with internal and published modifications).

NM_144596.4(TTC8):c.324C>T (p.Ala108=)

Gene: TTC8 (tetratricopeptide repeat domain 8; plus strand). Cytogenetic location: 14q31.3.
Variant type: single nucleotide variant.
Coding change: c.324C>T on transcript NM_144596.4 (MANE Select); coding-DNA position 324, C replaced by T.
Protein change: p.Ala108=; no amino-acid change (alanine 108 retained).
Molecular consequence: synonymous variant. On other transcripts: 5 prime UTR variant (2), non-coding transcript variant (1).
Genome position (GRCh38, 1-based): chr14:88,840,923, C>T. VCF-style: chr14-88840923-C-T. GRCh37 (hg19) VCF-style: chr14-89307267-C-T.
Other names: c.294C>T, p.Ala98= (NM_001288781.1, NM_001366535.2, NM_001366536.2 and 2 more transcripts); c.-269C>T (NM_001288782.1); c.-364C>T (NM_001288783.1); c.324C>T (NM_144596.3).
Identifiers: ClinVar variation 1124179 (VCV001124179.13), dbSNP rs571883979, ClinGen allele CA7302424.